The following is an entry in ClinVar:

NM_001164508.2(NEB):c.8234T>G (p.Leu2745Ter)

Gene: NEB (nebulin; minus strand). Cytogenetic location: 2q23.3.
Variant type: single nucleotide variant.
Coding change: c.8234T>G on transcript NM_001164508.2 (MANE Select); coding-DNA position 8234, T replaced by G.
Protein change: p.Leu2745Ter; replaces leucine 2745 with a stop codon.
Molecular consequence: nonsense.
Genome position (GRCh38, 1-based): chr2:151,642,796, A>C on the plus strand (T>G on the coding strand, the complement: NEB is on the minus strand). VCF-style: chr2-151642796-A-C. GRCh37 (hg19) VCF-style: chr2-152499310-A-C.
Other names: NM_001164508.2(NEB):c.8234T>G; p.Leu2745Ter; c.8234T>G, p.Leu2745Ter (NM_001164507.2, NM_001271208.2, NM_004543.5); short protein forms L2745*.
Identifiers: ClinVar variation 1964439 (VCV001964439.7), dbSNP rs2552246656, ClinGen allele CA348812810.

ClinVar aggregate classification (germline): Pathogenic/Likely pathogenic. Review status: criteria provided, multiple submitters, no conflicts (2 of 4 stars). 3 submissions from 3 submitters: Pathogenic (2); Likely pathogenic (1). Last evaluated 2025-12-25.

Conditions:
Nemaline myopathy 2 (NEM2). Also called: Nemaline myopathy 2, autosomal recessive. Identifiers: MedGen C1850569, MONDO:0009725, OMIM 256030.
Nemaline myopathy. Also called: Myopathies, Nemaline. Identifiers: Orphanet 607, MedGen C0206157, MONDO:0018958.

Allele frequency attached by ClinVar (database versions not stated): gnomAD exomes below 0.00001.
gnomAD v4.1: 4 of 1,612,720 alleles (0.00025%); highest among the groups gnomAD compares: Non-Finnish European, 0.00034%; no homozygotes.

Submissions (3):

Myriad Genetics, Inc.
Classification: Pathogenic for Nemaline myopathy 2. Last evaluated: 2025-12-25. Review status: criteria provided, single submitter. Criteria: Myriad Autosomal Dominant, Autosomal Recessive and X-Linked Classification Criteria (2023). Collection method: clinical testing. Allele origin: unknown.
Comment: NM_001271208.1(NEB):c.8234T>G(L2745*) is expected to be pathogenic in the context of NEB-related nemaline myopathy. This variant is predicted to lead to an abnormal or absent protein product due to the creation of a premature termination codon in NEB, a gene where loss-of-function variants are known to be pathogenic. Please note: this variant was assessed in the context of healthy population screening.

Broad Center for Mendelian Genomics, Broad Institute of MIT and Harvard
Classification: Likely pathogenic for Nemaline myopathy. Last evaluated: 2025-03-17. Review status: criteria provided, single submitter. Criteria: ACMG Guidelines, 2015. Collection method: curation. Allele origin: germline. Inheritance: Autosomal recessive inheritance.
Comment: The p.Leu2745Ter variant in NEB has not been previously reported in the literature in individuals with nemaline myopathy, but has been identified in 0.0003% (4/1179090) of European (non-Finnish) chromosomes by the Genome Aggregation Database (gnomAD). Although this variant has been seen in the general population in a heterozygous state, its frequency is low enough to be consistent with a recessive carrier frequency. This variant has also been reported in ClinVar (Variation ID: 1964439) and has been interpreted as pathogenic by Invitae. This nonsense variant leads to a premature termination codon at position 2745, which is predicted to lead to a truncated or absent protein. Loss of function of the NEB gene is an established disease mechanism in autosomal recessive nemaline myopathy. In summary, although additional studies are required to fully establish its clinical significance, this variant is likely pathogenic for autosomal recessive nemaline myopathy. ACMG/AMP Criteria applied: PVS1, PM2_supporting (Richards 2015).

Labcorp Genetics (formerly Invitae), Labcorp
Classification: Pathogenic for Nemaline myopathy 2. Last evaluated: 2022-03-13. Review status: criteria provided, single submitter. Criteria: Invitae Variant Classification Sherloc (09022015). Collection method: clinical testing. Allele origin: germline.
Comment: This sequence change creates a premature translational stop signal (p.Leu2745*) in the NEB gene. It is expected to result in an absent or disrupted protein product. Loss-of-function variants in NEB are known to be pathogenic (PMID: 25205138). For these reasons, this variant has been classified as Pathogenic. This variant has not been reported in the literature in individuals affected with NEB-related conditions. This variant is not present in population databases (gnomAD no frequency).

Literature cited by the submitters: PubMed 25205138 (cited by Labcorp Genetics (formerly Invitae), Labcorp).